The following is an entry in ClinVar:

ClinVar aggregate classification (germline): Uncertain significance. Review status: criteria provided, multiple submitters, no conflicts (2 of 4 stars). 2 submissions from 2 submitters: Uncertain significance (2). Last evaluated 2025-11-08.

Conditions:
Inborn genetic diseases. Identifiers: MedGen C0950123, MeSH D030342.

gnomAD v4.1: 2 of 1,614,002 alleles (0.00012%); highest among the groups gnomAD compares: Admixed American, 0.0017%; no homozygotes.

Submissions (2):

Labcorp Genetics (formerly Invitae), Labcorp
Classification: Uncertain significance. Last evaluated: 2025-11-08. Review status: criteria provided, single submitter. Criteria: Invitae Variant Classification Sherloc (09022015). Collection method: clinical testing. Allele origin: germline.
Comment: This sequence change replaces aspartic acid, which is acidic and polar, with glycine, which is neutral and non-polar, at codon 3198 of the FAT4 protein (p.Asp3198Gly). This variant is present in population databases (no rsID available, gnomAD 0.007%). This variant has not been reported in the literature in individuals affected with FAT4-related conditions. ClinVar contains an entry for this variant (Variation ID: 4255268). Invitae Evidence Modeling of protein sequence and biophysical properties (such as structural, functional, and spatial information, amino acid conservation, physicochemical variation, residue mobility, and thermodynamic stability) indicates that this missense variant is not expected to disrupt FAT4 protein function with a negative predictive value of 95%. In summary, the available evidence is currently insufficient to determine the role of this variant in disease. Therefore, it has been classified as a Variant of Uncertain Significance.

Ambry Genetics
Classification: Uncertain significance for Inborn genetic diseases. Last evaluated: 2025-08-14. Review status: criteria provided, single submitter. Criteria: Ambry Variant Classification Scheme 2023. Collection method: clinical testing. Allele origin: germline.

NM_001291303.3(FAT4):c.9599A>G (p.Asp3200Gly)

Gene: FAT4 (FAT atypical cadherin 4; plus strand). Cytogenetic location: 4q28.1.
Variant type: single nucleotide variant.
Coding change: c.9599A>G on transcript NM_001291303.3 (MANE Select); coding-DNA position 9599, A replaced by G.
Protein change: p.Asp3200Gly; replaces aspartic acid 3200 with glycine.
Molecular consequence: missense variant.
Genome position (GRCh38, 1-based): chr4:125,450,609, A>G. VCF-style: chr4-125450609-A-G. GRCh37 (hg19) VCF-style: chr4-126371764-A-G.
Other names: c.9599A>G, p.Asp3200Gly (NM_001291285.3, NM_001438396.1, NM_001438397.1); c.4370A>G, p.Asp1457Gly (NM_001437895.1); c.9593A>G, p.Asp3198Gly (NM_024582.6); short protein forms D3200G, D1457G, D3198G.
Identifiers: ClinVar variation 4255268 (VCV004255268.2).